The following is an entry in ClinVar:

NM_001267550.2(TTN):c.75364G>A (p.Val25122Met)

Genes: TTN-AS1 (TTN antisense RNA 1; plus strand), TTN (titin; minus strand). Cytogenetic location: 2q31.2.
Variant type: single nucleotide variant.
Coding change: c.75364G>A on transcript NM_001267550.2 (MANE Select); coding-DNA position 75364, G replaced by A.
Protein change: p.Val25122Met; replaces valine 25122 with methionine.
Molecular consequence: missense variant.
Genome position (GRCh38, 1-based): chr2:178,570,768, C>T on the plus strand (G>A on the coding strand, the complement: TTN is on the minus strand). VCF-style: chr2-178570768-C-T. GRCh37 (hg19) VCF-style: chr2-179435495-C-T.
Other names: c.67660G>A, p.Val22554Met (NM_133378.4); c.70441G>A, p.Val23481Met (NM_001256850.1); c.48169G>A, p.Val16057Met (NM_003319.4); c.48544G>A, p.Val16182Met (NM_133432.3); c.48745G>A, p.Val16249Met (NM_133437.4); short protein forms V22554M, V25122M, V16182M, V16249M, V16057M, V23481M.
Identifiers: ClinVar variation 229516 (VCV000229516.13), dbSNP rs376821762, ClinGen allele CA1990062.
Genomic context (GRCh38, chr2:178,570,768, plus strand): 5'-TTGGTATTGGTTTGCCATAAATATCTGCATCAACCTTGAATGATTCACCAGCATGAACCA[C>T]GATTGTGTCTTTGTATTTTGGATCCATACTTATTCGTGGTGGATCTACCTCATCTCTAGC-3'
Protein context (NP_001254479.2, residues 25112-25132): SMDPKYKDTI[Val25122Met]VHAGESFKVD

ClinVar aggregate classification (germline): Conflicting classifications of pathogenicity. Review status: criteria provided, conflicting classifications (1 of 4 stars). 4 submissions from 4 submitters: Uncertain significance (3); Likely benign (1). Last evaluated 2025-04-09.

Allele frequency attached by ClinVar (database versions not stated): ESP Exome Variant Server 0.00008; gnomAD exomes 0.00010 and 0.00006; gnomAD 0.00001; TOPMed 0.00002; ExAC 0.00007.
gnomAD v4.1: 139 of 1,613,448 alleles (0.0086%); highest among the groups gnomAD compares: Non-Finnish European, 0.011%; no homozygotes.

Submissions (4):

Molecular Diagnostic Laboratory for Inherited Cardiovascular Disease, Montreal Heart Institute
Classification: Likely benign. Last evaluated: 2025-04-09. Review status: criteria provided, single submitter. Criteria: ACMG Guidelines, 2015. Collection method: clinical testing. Allele origin: germline. Affected: no.

Revvity Omics, Revvity
Classification: Uncertain significance. Last evaluated: 2019-03-14. Review status: criteria provided, single submitter. Criteria: ACMG Guidelines, 2015. Collection method: clinical testing. Allele origin: germline.

Eurofins Ntd Llc (ga)
Classification: Uncertain significance. Last evaluated: 2016-12-27. Review status: criteria provided, single submitter. Criteria: EGL Classification Definitions 2015. Collection method: clinical testing. Allele origin: germline. Observed: 2 variant alleles, 2 heterozygotes.

Laboratory for Molecular Medicine, Mass General Brigham Personalized Medicine
Classification: Uncertain significance. Last evaluated: 2015-07-28. Review status: criteria provided, single submitter. Criteria: LMM Criteria. Collection method: clinical testing. Allele origin: germline. Observed: 1 variant allele.
Comment: The p.Val22554Met variant in TTN has not been previously reported in individuals with cardiomyopathy, but has been identified in 6/66722 European chromosomes an d 2/11554 Latino chromosomes by the Exome Aggregation Consortium (ExAC; dbSNP rs376821762). Computational prediction tools and c onservation analysis do not provide strong support for or against an impact to t he protein. In summary, the clinical significance of the p.Val22554Met variant i s uncertain.